The following is an entry in ClinVar:

ClinVar aggregate classification (germline): Uncertain significance (1 of 4 stars; one submission).

Conditions:
Emery-Dreifuss muscular dystrophy 5, autosomal dominant (EDMD5). Also called: EMERY-DREIFUSS MUSCULAR DYSTROPHY 5. Identifiers: Orphanet 261, MedGen C2751805, MONDO:0013072, OMIM 612999.

gnomAD v4.1: 6 of 1,614,220 alleles (0.00037%); highest among the groups gnomAD compares: Non-Finnish European, 0.00051%; no homozygotes.

Submission:

Labcorp Genetics (formerly Invitae), Labcorp
Classification: Uncertain significance for Emery-Dreifuss muscular dystrophy 5, autosomal dominant. Last evaluated: 2024-07-19. Review status: criteria provided, single submitter. Criteria: Invitae Variant Classification Sherloc (09022015). Collection method: clinical testing. Allele origin: germline.
Comment: This sequence change replaces aspartic acid, which is acidic and polar, with glycine, which is neutral and non-polar, at codon 1349 of the SYNE2 protein (p.Asp1349Gly). This variant is not present in population databases (gnomAD no frequency). This variant has not been reported in the literature in individuals affected with SYNE2-related conditions. An algorithm developed to predict the effect of missense changes on protein structure and function outputs the following: PolyPhen-2: "Benign". The glycine amino acid residue is found in multiple mammalian species, which suggests that this missense change does not adversely affect protein function. In summary, the available evidence is currently insufficient to determine the role of this variant in disease. Therefore, it has been classified as a Variant of Uncertain Significance.

NM_182914.3(SYNE2):c.4046A>G (p.Asp1349Gly)

Gene: SYNE2 (spectrin repeat containing nuclear envelope protein 2; plus strand). Cytogenetic location: 14q23.2.
Variant type: single nucleotide variant.
Coding change: c.4046A>G on transcript NM_182914.3 (MANE Select); coding-DNA position 4046, A replaced by G.
Protein change: p.Asp1349Gly; replaces aspartic acid 1349 with glycine.
Molecular consequence: missense variant.
Genome position (GRCh38, 1-based): chr14:64,002,979, A>G. VCF-style: chr14-64002979-A-G. GRCh37 (hg19) VCF-style: chr14-64469697-A-G.
Other names: c.4046A>G, p.Asp1349Gly (NM_015180.6); short protein forms D1349G.
Identifiers: ClinVar variation 3659389 (VCV003659389.2).